The following is an entry in ClinVar:

ClinVar aggregate classification (germline): Uncertain significance (1 of 4 stars; one submission).

Conditions:
Intellectual disability, autosomal dominant 9 (NESCAVS). Also called: KIF1A-Related Neurodevelopmental Disorder; NESCAV SYNDROME. Identifiers: Orphanet 662367, MedGen C5393830, MONDO:0013656, OMIM 614255.

Submission:

3billion
Classification: Uncertain significance for Intellectual disability, autosomal dominant 9. Last evaluated: 2023-10-25. Review status: criteria provided, single submitter. Criteria: ACMG Guidelines, 2015. Collection method: clinical testing. Allele origin: germline. Affected: yes.
Comment: The variant is not observed in the gnomAD v2.1.1 dataset. Predicted Consequence/Location: The variant is located in a mutational hot spot and/or well-established functional domain in which established pathogenic variants have been reported (PMID: 31488895). Missense changes are a common disease-causing mechanism. Therefore, this variant is classified as VUS according to the recommendation of ACMG/AMP guideline.

Literature cited by the submitters: PubMed 31488895.

NM_001244008.2(KIF1A):c.901A>G (p.Thr301Ala)

Gene: KIF1A (kinesin family member 1A; minus strand). Cytogenetic location: 2q37.3.
Variant type: single nucleotide variant.
Coding change: c.901A>G on transcript NM_001244008.2 (MANE Select); coding-DNA position 901, A replaced by G.
Protein change: p.Thr301Ala; replaces threonine 301 with alanine.
Molecular consequence: missense variant.
Genome position (GRCh38, 1-based): chr2:240,775,908, T>C on the plus strand (A>G on the coding strand, the complement: KIF1A is on the minus strand). VCF-style: chr2-240775908-T-C. GRCh37 (hg19) VCF-style: chr2-241715325-T-C.
Other names: c.901A>G, p.Thr301Ala (NM_001379638.1, NM_001379639.1, NM_001379640.1 and 20 more transcripts); short protein forms T301A.
Identifiers: ClinVar variation 3775342 (VCV003775342.1).